The following is an entry in ClinVar:

NM_001083962.2(TCF4):c.341G>A (p.Arg114Lys)

Gene: TCF4 (transcription factor 4; minus strand). Cytogenetic location: 18q21.2.
Variant type: single nucleotide variant.
Coding change: c.341G>A on transcript NM_001083962.2 (MANE Select); coding-DNA position 341, G replaced by A.
Protein change: p.Arg114Lys; replaces arginine 114 with lysine.
Molecular consequence: missense variant. On other transcripts: 5 prime UTR variant (3).
Genome position (GRCh38, 1-based): chr18:55,403,482, C>T on the plus strand (G>A on the coding strand, the complement: TCF4 is on the minus strand). VCF-style: chr18-55403482-C-T. GRCh37 (hg19) VCF-style: chr18-53070713-C-T.
Other names: NM_001083962.2(TCF4):c.341G>A; c.269G>A, p.Arg90Lys (NM_001348220.1, NM_001369575.1, NM_001243227.2 and 15 more transcripts); c.341G>A, p.Arg114Lys (NM_001369567.1, NM_001369568.1, NM_001369569.1 and 8 more transcripts); c.647G>A, p.Arg216Lys (NM_001243226.3); c.335G>A, p.Arg112Lys (NM_001243230.2); c.215G>A, p.Arg72Lys (NM_001243231.2, NM_001348211.2); c.131G>A, p.Arg44Lys (NM_001243232.1, NM_001306208.1); c.-50G>A (NM_001243233.2, NM_001348213.2); and 1 more; short protein forms R114K, R72K, R216K, R44K, R112K, R90K.
Identifiers: ClinVar variation 167730 (VCV000167730.26), dbSNP rs139876825, ClinGen allele CA234989.

ClinVar aggregate classification (germline): Benign. Review status: reviewed by expert panel (3 of 4 stars). 6 submissions from 6 submitters: Benign (1). 5 of the submissions do not count toward it. Last evaluated 2024-06-25.

Conditions:
TCF4-related disorder. Also called: TCF4-related condition.
Inborn genetic diseases. Identifiers: MedGen C0950123, MeSH D030342.
Pitt-Hopkins syndrome (PTHS). Also called: ENCEPHALOPATHY, SEVERE EPILEPTIC, WITH AUTONOMIC DYSFUNCTION; MENTAL RETARDATION, SYNDROMAL, WITH INTERMITTENT HYPERVENTILATION. Identifiers: Orphanet 2896, MedGen C1970431, MONDO:0012589, OMIM 610954.

Allele frequency attached by ClinVar (database versions not stated): ExAC 0.00009; gnomAD 0.00038 and 0.00043; TOPMed 0.00048; ESP Exome Variant Server 0.00038; gnomAD exomes 0.00006 and 0.00012; 1000 Genomes Project 30x 0.00016; 1000 Genomes Project 0.00020.
gnomAD v4.1: 141 of 1,613,864 alleles (0.0087%); highest among the groups gnomAD compares: African/African-American, 0.18%; no homozygotes.

Submissions (6):

ClinGen Rett and Angelman-like Disorders Variant Curation Expert Panel
Classification: Benign for Pitt-Hopkins syndrome. Last evaluated: 2024-06-25. Review status: reviewed by expert panel. Criteria: ClinGen RettAS ACMG Specifications TCF4 V3.0.0. Collection method: curation. Allele origin: germline. Inheritance: Autosomal dominant inheritance.
Comment: The highest population minor allele frequency of the p.Arg114Lys variant in TCF4 in gnomAD v4.1 is 0.0018 in the African population, which is higher than the ClinGen Rett and Angelman-like Disorders VCEP threshold (≥0.0003) for BA1, and therefore meets this criterion (BA1). The p.Arg114Lys variant is observed in at least 2 unaffected individuals (Internal database - Ambry) (BS2). In summary, the p.Arg114Lys variant in TCF4 is classified as a benign variant based on the ACMG/AMP criteria (BA1, BS2). (TCF4 Specifications v.3; approved on 6/25/2024)

Labcorp Genetics (formerly Invitae), Labcorp
Classification: Likely benign for Pitt-Hopkins syndrome. Last evaluated: 2026-01-28. Review status: criteria provided, single submitter. Criteria: Invitae Variant Classification Sherloc (09022015). Collection method: clinical testing. Allele origin: germline. Not counted in ClinVar's aggregate classification.

Ambry Genetics
Classification: Likely benign for Inborn genetic diseases. Last evaluated: 2024-11-15. Review status: criteria provided, single submitter. Criteria: Ambry Variant Classification Scheme 2023. Collection method: clinical testing. Allele origin: germline. Not counted in ClinVar's aggregate classification.

GeneDx
Classification: Benign. Last evaluated: 2019-10-04. Review status: criteria provided, single submitter. Criteria: GeneDx Variant Classification Process June 2021. Collection method: clinical testing. Allele origin: germline. Affected: yes. Not counted in ClinVar's aggregate classification.

Eurofins Ntd Llc (ga)
Classification: Uncertain significance. Last evaluated: 2015-11-11. Review status: criteria provided, single submitter. Criteria: EGL Classification Definitions 2015. Collection method: clinical testing. Allele origin: germline. Observed: 6 variant alleles, 6 heterozygotes. Not counted in ClinVar's aggregate classification.

PreventionGenetics, part of Exact Sciences
Classification: Likely benign for TCF4-related condition. Last evaluated: 2024-06-26. Review status: no assertion criteria provided. Collection method: clinical testing. Allele origin: germline. Not counted in ClinVar's aggregate classification.
Comment: This variant is classified as likely benign based on ACMG/AMP sequence variant interpretation guidelines (Richards et al. 2015 PMID: 25741868, with internal and published modifications).